The following is an entry in ClinVar:

ClinVar aggregate classification (germline): Likely benign. Review status: reviewed by expert panel (3 of 4 stars). 6 submissions from 6 submitters: Likely benign (1). 5 of the submissions do not count toward it. Last evaluated 2023-02-23.

Conditions:
Creatine transporter deficiency (CCDS1). Also called: Mental retardation , X-linked with seizures, short stature and midface hypoplasia; Mental retardation , X-linked, with creatine transport deficiency; X-linked creatine transporter deficiency; X-linked creatine deficiency syndrome; CEREBRAL CREATINE DEFICIENCY SYNDROME 1; SLC6A8-Related Creatine Transporter Deficiency. Identifiers: Orphanet 52503, MedGen C1845862, MONDO:0010305, OMIM 300352.
Creatine deficiency syndrome 1.
Inborn genetic diseases. Identifiers: MedGen C0950123, MeSH D030342.

Allele frequency attached by ClinVar (database versions not stated): gnomAD 0.00003; gnomAD exomes 0.00004; ExAC 0.00005; TOPMed 0.00006.
gnomAD v4.1: 47 of 1,208,502 alleles (0.0039%); highest among the groups gnomAD compares: South Asian, 0.018%; 1 homozygote.

Submissions (6):

ClinGen Cerebral Creatine Deficiency Syndromes Variant Curation Expert Panel, ClinGen
Classification: Likely benign for Creatine transporter deficiency. Last evaluated: 2023-02-23. Review status: reviewed by expert panel. Criteria: ClinGen_CCDS_ACMG_Specifications_SLC6A8_v1.1. Collection method: curation. Allele origin: germline. Inheritance: X-linked inheritance.
Comment: The NM_005629.4(SLC6A8):c.1285C>G (p.Leu429Val) variant in SLC6A8 is a missense variant predicted to cause substitution of Valine for Leucine at amino acid 429 (p.Leu429Val). There is a ClinVar entry for this variant (Variation ID:715196, conflicting interpretations) with classifications as Variant of Uncertain Significance (n=1), Likely Benign (n=1), and Benign (n=1). This variant is found with an allele frequency of 0.00004401 in gnomADv2.1.1 with 5 hemizygotes present in that population database. Given the presence of 5 hemizygotes in gnomADv2.1.1, BS1 is applicable for this variant. The computational predictor REVEL gives a score of 0.101 which is below the threshold of 0.20, suggesting a benign effect of this variant on protein function, therefore BP4 criteria is applicable. At the time of this curation, this variant has not been reported in affected individuals in the literature. In summary, this variant meets the criteria to be classified as Likely Benign for Creatine Transporter Deficiency based on the ACMG/AMP criteria applied, as specified by the ClinGen Cerebral Creatine Deficiency Syndromes Variant Curation Expert Panel (Specifications Version 1.1.0): BS1, BP4 (Classification approved by the ClinGen CCDS VCEP on February 23, 2023).

Labcorp Genetics (formerly Invitae), Labcorp
Classification: Benign for Creatine transporter deficiency. Last evaluated: 2025-10-08. Review status: criteria provided, single submitter. Criteria: Invitae Variant Classification Sherloc (09022015). Collection method: clinical testing. Allele origin: germline. Not counted in ClinVar's aggregate classification.

GeneDx
Classification: Uncertain significance. Last evaluated: 2022-11-03. Review status: criteria provided, single submitter. Criteria: GeneDx Variant Classification Process June 2021. Collection method: clinical testing. Allele origin: germline. Affected: yes. Not counted in ClinVar's aggregate classification.
Comment: In silico analysis supports that this missense variant has a deleterious effect on protein structure/function; Has not been previously published as pathogenic or benign to our knowledge

Ambry Genetics
Classification: Likely benign for Inborn genetic diseases. Last evaluated: 2021-11-15. Review status: criteria provided, single submitter. Criteria: Ambry Variant Classification Scheme 2023. Collection method: clinical testing. Allele origin: germline. Not counted in ClinVar's aggregate classification.

CeGaT Center for Human Genetics Tuebingen
Classification: Uncertain significance. Last evaluated: 2019-07-01. Review status: criteria provided, single submitter. Criteria: CeGaT Center For Human Genetics Tuebingen Variant Classification Criteria Version 2. Collection method: clinical testing. Allele origin: germline. Affected: yes. Observed: 1 variant allele. Not counted in ClinVar's aggregate classification.

Natera, Inc.
Classification: Likely benign for Creatine deficiency syndrome 1. Last evaluated: 2020-04-11. Review status: no assertion criteria provided. Collection method: clinical testing. Allele origin: germline. Not counted in ClinVar's aggregate classification.

NM_005629.4(SLC6A8):c.1285C>G (p.Leu429Val)

Gene: SLC6A8 (solute carrier family 6 member 8; plus strand). Cytogenetic location: Xq28.
Variant type: single nucleotide variant.
Coding change: c.1285C>G on transcript NM_005629.4 (MANE Select); coding-DNA position 1285, C replaced by G.
Protein change: p.Leu429Val; replaces leucine 429 with valine.
Molecular consequence: missense variant.
Genome position (GRCh38, 1-based): chrX:153,694,160, C>G. VCF-style: chrX-153694160-C-G. GRCh37 (hg19) VCF-style: chrX-152959615-C-G.
Other names: NM_005629.4(SLC6A8):c.1285C>G; p.Leu429Val; c.1255C>G, p.Leu419Val (NM_001142805.2); c.940C>G, p.Leu314Val (NM_001142806.1); short protein forms L314V, L419V, L429V.
Identifiers: ClinVar variation 715196 (VCV000715196.55), dbSNP rs782551106, ClinGen allele CA10549484.
Genomic context (GRCh38, chrX:153,694,160, plus strand): 5'-GGGGCTCGGCCTGAGCTGCCCTGGCCACAGTTTGTAGGTGTGGAGGGCTTCATCACCGGC[C>G]TCCTCGACCTCCTCCCGGCCTCCTACTACTTCCGTTTCCAAAGGGAGATCTCTGTGGCCC-3'
Protein context (NP_005620.1, residues 419-439): FVGVEGFITG[Leu429Val]LDLLPASYYF